The following is an entry in ClinVar:

NM_001904.4(CTNNB1):c.890C>T (p.Thr297Met)

Gene: CTNNB1 (catenin beta 1; plus strand). Cytogenetic location: 3p22.1.
Variant type: single nucleotide variant.
Coding change: c.890C>T on transcript NM_001904.4 (MANE Select); coding-DNA position 890, C replaced by T.
Protein change: p.Thr297Met; replaces threonine 297 with methionine.
Molecular consequence: missense variant.
Genome position (GRCh38, 1-based): chr3:41,225,815, C>T. VCF-style: chr3-41225815-C-T. GRCh37 (hg19) VCF-style: chr3-41267306-C-T.
Other names: c.890C>T, p.Thr297Met (NM_001098209.2, NM_001098210.2); c.869C>T, p.Thr290Met (NM_001330729.2); short protein forms T290M, T297M.
Identifiers: ClinVar variation 1942640 (VCV001942640.5), dbSNP rs759085197, ClinGen allele CA2330982.

ClinVar aggregate classification (germline): Uncertain significance (1 of 4 stars; one submission).

Allele frequency attached by ClinVar (database versions not stated): ExAC 0.00001; gnomAD 0.00001; gnomAD exomes 0.00001; TOPMed 0.00001.
gnomAD v4.1: 9 of 1,613,830 alleles (0.00056%); highest among the groups gnomAD compares: South Asian, 0.0044%; no homozygotes.

Submission:

Labcorp Genetics (formerly Invitae), Labcorp
Classification: Uncertain significance. Last evaluated: 2024-10-16. Review status: criteria provided, single submitter. Criteria: Invitae Variant Classification Sherloc (09022015). Collection method: clinical testing. Allele origin: germline.
Comment: This sequence change replaces threonine, which is neutral and polar, with methionine, which is neutral and non-polar, at codon 297 of the CTNNB1 protein (p.Thr297Met). This variant is present in population databases (rs759085197, gnomAD 0.003%). This variant has not been reported in the literature in individuals affected with CTNNB1-related conditions. ClinVar contains an entry for this variant (Variation ID: 1942640). Invitae Evidence Modeling of protein sequence and biophysical properties (such as structural, functional, and spatial information, amino acid conservation, physicochemical variation, residue mobility, and thermodynamic stability) indicates that this missense variant is expected to disrupt CTNNB1 protein function with a positive predictive value of 80%. In summary, the available evidence is currently insufficient to determine the role of this variant in disease. Therefore, it has been classified as a Variant of Uncertain Significance.